The following is an entry in ClinVar:

NM_001379270.1(CNGA1):c.1244A>C (p.Gln415Pro)

Genes: CNGA1 (cyclic nucleotide gated channel subunit alpha 1; minus strand), LOC101927157 (uncharacterized LOC101927157; plus strand). Cytogenetic location: 4p12.
Variant type: single nucleotide variant.
Coding change: c.1244A>C on transcript NM_001379270.1 (MANE Select); coding-DNA position 1244, A replaced by C.
Protein change: p.Gln415Pro; replaces glutamine 415 with proline.
Molecular consequence: missense variant.
Genome position (GRCh38, 1-based): chr4:47,937,238, T>G on the plus strand (A>C on the coding strand, the complement: CNGA1 is on the minus strand). VCF-style: chr4-47937238-T-G. GRCh37 (hg19) VCF-style: chr4-47939255-T-G.
Other names: c.1244A>C, p.Gln415Pro (NM_000087.5, NM_001142564.2); short protein forms Q415P.
Identifiers: ClinVar variation 1516487 (VCV001516487.4), dbSNP rs1381823986, ClinGen allele CA356826412.

ClinVar aggregate classification (germline): Uncertain significance. Review status: criteria provided, multiple submitters, no conflicts (2 of 4 stars). 2 submissions from 2 submitters: Uncertain significance (2). Last evaluated 2021-09-09.

Allele frequency attached by ClinVar (database versions not stated): gnomAD exomes 0.00001; TOPMed 0.00001; gnomAD 0.00002.
gnomAD v4.1: 8 of 1,614,068 alleles (0.0005%); highest among the groups gnomAD compares: Non-Finnish European, 0.00068%; no homozygotes.

Submissions (2):

Labcorp Genetics (formerly Invitae), Labcorp
Classification: Uncertain significance. Last evaluated: 2021-09-09. Review status: criteria provided, single submitter. Criteria: Invitae Variant Classification Sherloc (09022015). Collection method: clinical testing. Allele origin: germline.
Comment: This sequence change replaces glutamine with proline at codon 419 of the CNGA1 protein (p.Gln419Pro). The glutamine residue is highly conserved and there is a moderate physicochemical difference between glutamine and proline. This variant is not present in population databases (ExAC no frequency). This missense change has been observed in individual(s) with clinical features of retinitis pigmentosa (Invitae). In at least one individual the data is consistent with the variant being in trans (on the opposite chromosome) from a pathogenic variant. Algorithms developed to predict the effect of missense changes on protein structure and function (SIFT, PolyPhen-2, Align-GVGD) all suggest that this variant is likely to be disruptive. In summary, the available evidence is currently insufficient to determine the role of this variant in disease. Therefore, it has been classified as a Variant of Uncertain Significance.

Blueprint Genetics
Classification: Uncertain significance. Last evaluated: 2019-09-18. Review status: criteria provided, single submitter. Criteria: ACMG Guidelines, 2015. Collection method: clinical testing. Allele origin: germline.